The following is an entry in ClinVar:

NM_000046.5(ARSB):c.1325C>G (p.Thr442Arg)

Gene: ARSB (arylsulfatase B; minus strand). Cytogenetic location: 5q14.1.
Variant type: single nucleotide variant.
Coding change: c.1325C>G on transcript NM_000046.5 (MANE Select); coding-DNA position 1325, C replaced by G.
Protein change: p.Thr442Arg; replaces threonine 442 with arginine.
Molecular consequence: missense variant.
Genome position (GRCh38, 1-based): chr5:78,781,863, G>C on the plus strand (C>G on the coding strand, the complement: ARSB is on the minus strand). VCF-style: chr5-78781863-G-C. GRCh37 (hg19) VCF-style: chr5-78077686-G-C.
Other names: p.Thr442Arg; short protein forms T442R.
Identifiers: ClinVar variation 2203661 (VCV002203661.7), dbSNP rs1057520739, ClinGen allele CA360339366.

ClinVar aggregate classification (germline): Pathogenic/Likely pathogenic. Review status: criteria provided, multiple submitters, no conflicts (2 of 4 stars). 4 submissions from 4 submitters: Pathogenic (2); Likely pathogenic (2). Last evaluated 2025-10-09.

Conditions:
Mucopolysaccharidosis type 6 (MPS6). Also called: ARSB DEFICIENCY; ARYLSULFATASE B DEFICIENCY; N-ACETYLGALACTOSAMINE-4-SULFATASE DEFICIENCY; MPS 6; Maroteaux Lamy syndrome; MPS VI. Identifiers: Orphanet 583, MedGen C0026709, MONDO:0009661, OMIM 253200.

gnomAD v4.1: 1 of 1,614,086 alleles (0.000062%); highest among the groups gnomAD compares: Non-Finnish European, 0.000085%; no homozygotes.

Submissions (4):

Mayo Clinic Laboratories, Mayo Clinic
Classification: Likely pathogenic. Last evaluated: 2025-10-09. Review status: criteria provided, single submitter. Criteria: ACMG Guidelines, 2015. Collection method: clinical testing. Allele origin: germline. Observed: 2 variant alleles.
Comment: PP3_moderate, PM2_supporting, PM3_supporting, PM5

Women's Health and Genetics/Laboratory Corporation of America, LabCorp
Classification: Pathogenic for Mucopolysaccharidosis type 6. Last evaluated: 2024-04-12. Review status: criteria provided, single submitter. Criteria: LabCorp Variant Classification Summary - May 2015. Collection method: clinical testing. Allele origin: germline.
Comment: Variant summary: ARSB c.1325C>G (p.Thr442Arg) results in a non-conservative amino acid change in the encoded protein sequence. Five of five in-silico tools predict a damaging effect of the variant on protein function. A different variant, c.1325C>T (p.Thr442Met) has been reported as pathogenic/likely pathogenic, supporting the critical relevance of the Thr442 residue to ARSB protein function. The variant was absent in 251396 control chromosomes. c.1325C>G has been reported in the literature in at-least one individual affected with Mucopolysaccharidosis Type VI (Maroteaux-Lamy Syndrome) (example Karageorgos_2007). At least one publication reports experimental evidence evaluating an impact on protein function (Karageorgos_2007). The most pronounced variant effect results in <3% of normal activity in the fibroblast cell line from a patient with this variant in compound heterozygosity with a null variant. The following publications have been ascertained in the context of this evaluation (PMID: 17458871, 18248830, 25190157). ClinVar contains an entry for this variant (Variation ID: 2203661). Based on the evidence outlined above, the variant was classified as pathogenic.

Fulgent Genetics
Classification: Likely pathogenic for Mucopolysaccharidosis type 6. Last evaluated: 2024-04-11. Review status: criteria provided, single submitter. Criteria: ACMG Guidelines, 2015. Collection method: clinical testing. Allele origin: germline.

Labcorp Genetics (formerly Invitae), Labcorp
Classification: Pathogenic for Mucopolysaccharidosis type 6. Last evaluated: 2022-12-21. Review status: criteria provided, single submitter. Criteria: Invitae Variant Classification Sherloc (09022015). Collection method: clinical testing. Allele origin: germline.
Comment: For these reasons, this variant has been classified as Pathogenic. This variant disrupts the p.Thr442 amino acid residue in ARSB. Other variant(s) that disrupt this residue have been determined to be pathogenic (PMID: 17458871, 25190157; Invitae). This suggests that this residue is clinically significant, and that variants that disrupt this residue are likely to be disease-causing. Advanced modeling of protein sequence and biophysical properties (such as structural, functional, and spatial information, amino acid conservation, physicochemical variation, residue mobility, and thermodynamic stability) performed at Invitae indicates that this missense variant is expected to disrupt ARSB protein function. This missense change has been observed in individual(s) with mucopolysaccharidosis type VI (PMID: 17458871). This variant is not present in population databases (gnomAD no frequency). This sequence change replaces threonine, which is neutral and polar, with arginine, which is basic and polar, at codon 442 of the ARSB protein (p.Thr442Arg).

Literature cited by the submitters: PubMed 17458871 (cited by 3 submitters); PubMed 25190157 (cited by 3 submitters); PubMed 30118150 (cited by Mayo Clinic Laboratories, Mayo Clinic); PubMed 33985463 (cited by Mayo Clinic Laboratories, Mayo Clinic); PubMed 18248830 (cited by Women's Health and Genetics/Laboratory Corporation of America, LabCorp).